The following is an entry in ClinVar:

ClinVar aggregate classification (germline): Benign. Review status: criteria provided, multiple submitters, no conflicts (2 of 4 stars). 4 submissions from 3 submitters: Benign (4). Last evaluated 2018-06-28.

Conditions:
Pseudo-Hurler polydystrophy. Also called: MUCOLIPIDOSIS IIIA; ML IIIA; Mucolipidosis III Alpha/Beta; ML III; ML III ALPHA/BETA; Type III Mucolipidosis. Identifiers: Orphanet 423461, Orphanet 577, MedGen C0033788, MONDO:0018931, OMIM 252600.
Mucolipidosis type II. Also called: Mucolipidosis II Alpha/Beta; ML II ALPHA/BETA; Mucolipidosis 2; ML 2; Inclusion cell disease; Leroy Disease. Identifiers: Orphanet 576, MedGen C2673377, MONDO:0009650, OMIM 252500.

Allele frequency attached by ClinVar (database versions not stated): 1000 Genomes Project 0.06949; 1000 Genomes Project 30x 0.06996; TOPMed 0.08322.
gnomAD v4.1: 20,385 of 208,094 alleles (9.8%); highest among the groups gnomAD compares: East Asian, 18%; 1,105 homozygotes.

Submissions (4):

GeneDx
Classification: Benign. Last evaluated: 2018-06-28. Review status: criteria provided, single submitter. Criteria: GeneDx Variant Classification Process June 2021. Collection method: clinical testing. Allele origin: germline. Affected: yes.

Illumina Laboratory Services, Illumina
Classification: Benign for Pseudo-Hurler polydystrophy. Last evaluated: 2018-01-13. Review status: criteria provided, single submitter. Criteria: ICSL Variant Classification Criteria 13 December 2019. Collection method: clinical testing. Allele origin: germline.
Comment: This variant was observed in the ICSL laboratory as part of a predisposition screen in an ostensibly healthy population. It had not been previously curated by ICSL or reported in the Human Gene Mutation Database (HGMD: prior to June 1st, 2018), and was therefore a candidate for classification through an automated scoring system. Utilizing variant allele frequency, disease prevalence and penetrance estimates, and inheritance mode, an automated score was calculated to assess if this variant is too frequent to cause the disease. Based on the score and internal cut-off values, a variant classified as benign is not then subjected to further curation. The score for this variant resulted in a classification of benign for this disease.

Illumina Laboratory Services, Illumina
Classification: Benign for Mucolipidosis type II. Last evaluated: 2018-01-13. Review status: criteria provided, single submitter. Criteria: ICSL Variant Classification Criteria 13 December 2019. Collection method: clinical testing. Allele origin: germline.
Comment: the same text as in the submission from Illumina Laboratory Services, Illumina above.

Breakthrough Genomics
Classification: Benign. Review status: criteria provided, single submitter. Criteria: ACMG Guidelines, 2015. Collection method: not provided. Allele origin: germline. Inheritance: Autosomal recessive inheritance. Affected: yes.

NM_024312.5(GNPTAB):c.-157C>A

Genes: GNPTAB (N-acetylglucosamine-1-phosphate transferase subunits alpha and beta; minus strand), LOC130008555 (ATAC-STARR-seq lymphoblastoid silent region 4771; plus strand). Cytogenetic location: 12q23.2.
Variant type: single nucleotide variant.
Coding change: c.-157C>A on transcript NM_024312.5 (MANE Select); 157 bases upstream of the start codon, C replaced by A.
Molecular consequence: 5 prime UTR variant.
Genome position (GRCh38, 1-based): chr12:101,830,832, G>T on the plus strand (C>A on the coding strand, the complement: GNPTAB is on the minus strand). VCF-style: chr12-101830832-G-T. GRCh37 (hg19) VCF-style: chr12-102224610-G-T.
Identifiers: ClinVar variation 306826 (VCV000306826.7), dbSNP rs140600142, ClinGen allele CA10639915.
Genomic context (GRCh38, chr12:101,830,832, plus strand): 5'-CGCCGCGCGCAGGTCACAGCCTCCGGGCGCCGCTCATTGCAGCTCCGGCGACGGACGCCC[G>T]CTCGGCTCCGCGCCGCGGCCGCCGCTTCCGGGAGCCGGGAGCCCACGCCCTCGGCGCGGC-3'